The following is an entry in ClinVar:

NM_001080414.4(CCDC88C):c.425A>G (p.Glu142Gly)

Gene: CCDC88C (coiled-coil domain containing 88C; minus strand). Cytogenetic location: 14q32.11.
Variant type: single nucleotide variant.
Coding change: c.425A>G on transcript NM_001080414.4 (MANE Select); coding-DNA position 425, A replaced by G.
Protein change: p.Glu142Gly; replaces glutamic acid 142 with glycine.
Molecular consequence: missense variant.
Genome position (GRCh38, 1-based): chr14:91,342,438, T>C on the plus strand (A>G on the coding strand, the complement: CCDC88C is on the minus strand). VCF-style: chr14-91342438-T-C. GRCh37 (hg19) VCF-style: chr14-91808782-T-C.
Other names: short protein forms E142G.
Identifiers: ClinVar variation 424153 (VCV000424153.2), dbSNP rs1064796828, ClinGen allele CA16619897.

ClinVar aggregate classification (germline): Uncertain significance (1 of 4 stars; one submission).

Allele frequency attached by ClinVar (database versions not stated): gnomAD 0.00001; gnomAD exomes 0.00001; TOPMed 0.00001.
gnomAD v4.1: 10 of 1,595,954 alleles (0.00063%); highest among the groups gnomAD compares: Non-Finnish European, 0.00085%; no homozygotes.

Submission:

GeneDx
Classification: Uncertain significance. Last evaluated: 2017-03-10. Review status: criteria provided, single submitter. Criteria: GeneDx Variant Classification (06012015). Collection method: clinical testing. Allele origin: germline. Affected: yes.
Comment: The E142G variant in the CCDC88C gene has not been reported previously as a pathogenic variant,nor as a benign variant, to our knowledge. The E142G variant is not observed in large populationcohorts (Lek et al., 2016; 1000 Genomes Consortium et al., 2015; Exome Variant Server). TheE142G variant is a non-conservative amino acid substitution, which is likely to impact secondaryprotein structure as these residues differ in polarity, charge, size and/or other properties. Thissubstitution occurs at a position where amino acids with similar properties to Glutamic acid aretolerated across species. In silico analysis predicts this variant is probably damaging to the proteinstructure/function. We interpret E142G as a variant of uncertain significance.